The following is an entry in ClinVar:

NM_004171.4(SLC1A2):c.1353C>T (p.Leu451=)

Gene: SLC1A2 (solute carrier family 1 member 2; minus strand). Cytogenetic location: 11p13.
Variant type: single nucleotide variant.
Coding change: c.1353C>T on transcript NM_004171.4 (MANE Select); coding-DNA position 1353, C replaced by T.
Protein change: p.Leu451=; no amino-acid change (leucine 451 retained).
Molecular consequence: synonymous variant.
Genome position (GRCh38, 1-based): chr11:35,280,935, G>A on the plus strand (C>T on the coding strand, the complement: SLC1A2 is on the minus strand). VCF-style: chr11-35280935-G-A. GRCh37 (hg19) VCF-style: chr11-35302482-G-A.
Other names: c.1326C>T, p.Leu442= (NM_001195728.3, NM_001252652.2).
Identifiers: ClinVar variation 1671058 (VCV001671058.11), dbSNP rs575419771, ClinGen allele CA5947096.

ClinVar aggregate classification (germline): Benign/Likely benign. Review status: criteria provided, multiple submitters, no conflicts (2 of 4 stars). 3 submissions from 3 submitters: Benign (1); Likely benign (2). Last evaluated 2026-04-01.

Allele frequency attached by ClinVar (database versions not stated): TOPMed 0.00001; gnomAD 0.00005; gnomAD exomes 0.00006 and 0.00013; ExAC 0.00018; 1000 Genomes Project 30x 0.00047; 1000 Genomes Project 0.00060.
gnomAD v4.1: 103 of 1,613,380 alleles (0.0064%); highest among the groups gnomAD compares: South Asian, 0.1%; 1 homozygote.

Submissions (3):

CeGaT Center for Human Genetics Tuebingen
Classification: Likely benign. Last evaluated: 2026-04-01. Review status: criteria provided, single submitter. Criteria: CeGaT Center For Human Genetics Tuebingen Variant Classification Criteria Version 2. Collection method: clinical testing. Allele origin: germline. Affected: yes. Observed: 1 variant allele.
Comment: SLC1A2: BP4, BP7

Labcorp Genetics (formerly Invitae), Labcorp
Classification: Benign. Last evaluated: 2025-10-27. Review status: criteria provided, single submitter. Criteria: Invitae Variant Classification Sherloc (09022015). Collection method: clinical testing. Allele origin: germline.

Blueprint Genetics
Classification: Likely benign. Last evaluated: 2023-09-21. Review status: criteria provided, single submitter. Criteria: ACMG Guidelines, 2015. Collection method: clinical testing. Allele origin: germline.